The following is an entry in ClinVar:

NM_000545.8(HNF1A):c.339G>A (p.Trp113Ter)

Gene: HNF1A (HNF1 homeobox A; plus strand). Cytogenetic location: 12q24.31.
Variant type: single nucleotide variant.
Coding change: c.339G>A on transcript NM_000545.8 (MANE Select); coding-DNA position 339, G replaced by A.
Protein change: p.Trp113Ter; replaces tryptophan 113 with a stop codon.
Molecular consequence: nonsense.
Genome position (GRCh38, 1-based): chr12:120,988,845, G>A. VCF-style: chr12-120988845-G-A. GRCh37 (hg19) VCF-style: chr12-121426648-G-A.
Other names: NM_001306179.2:c.339G>A; c.339G>A, p.Trp113Ter (NM_001306179.2, NM_001406915.1); short protein forms W113*.
Identifiers: ClinVar variation 3358871 (VCV003358871.1).

ClinVar aggregate classification (germline): Pathogenic (3 of 4 stars; one submission).

Conditions:
Monogenic diabetes. Identifiers: Orphanet 183625, MedGen C3888631, MONDO:0015967.

Submission:

ClinGen Monogenic Diabetes Variant Curation Expert Panel
Classification: Pathogenic for Monogenic diabetes. Last evaluated: 2024-09-10. Review status: reviewed by expert panel. Criteria: ClinGen Diabetes ACMG Specifications HNF1A V2.1.0. Collection method: curation. Allele origin: germline. Inheritance: Autosomal dominant inheritance.
Comment: The c.339G>A variant in the HNF1 homeobox A gene, HNF1A, results in a premature termination at codon 113 (p.(Trp113Ter)) of NM_000545.8. This variant, located in biologically-relevant exon 2 of 10 , is predicted to lead to nonsense mediated decay in a gene in which loss-of-function is an established disease mechanism (PVS1; PMID: 23348805). This variant is absent from gnomAD v2.1.1 (PM2_Supporting). This variant was identified in 3 unrelated individuals with non-autoimmune and non-absolute/near-absolute insulin-deficient diabetes; however, PS4_Moderate cannot be applied because this number is below the ClinGen MDEP threshold (PMIDs: 21437455, 11692182, 29439679). One of these individuals had a clinical history highly specific for HNF1A-monogenic diabetes (MODY probability calculator result >50%, negative genetic testing for HNF4A, negative antibodies) (PP4_Moderate; PMID: 29439679). This variant segregated with diabetes with five informative meioses in two families (PP1_Strong, PMIDs: 27236918, 21437455; internal lab contributor). In summary, c.339G>A meets the criteria to be classified as pathogenic for monogenic diabetes. ACMG/AMP criteria applied, as specified by the ClinGen MDEP (specification version 2.1.0, approved 8/11/2023): PVS1, PP1_Strong, PP4_Moderate, PM2_Supporting.